The following is an entry in ClinVar:

NM_000525.4(KCNJ11):c.778G>A (p.Val260Ile)

Gene: KCNJ11 (potassium inwardly rectifying channel subfamily J member 11; minus strand). Cytogenetic location: 11p15.1.
Variant type: single nucleotide variant.
Coding change: c.778G>A on transcript NM_000525.4 (MANE Select); coding-DNA position 778, G replaced by A.
Protein change: p.Val260Ile; replaces valine 260 with isoleucine.
Molecular consequence: missense variant.
Genome position (GRCh38, 1-based): chr11:17,387,314, C>T on the plus strand (G>A on the coding strand, the complement: KCNJ11 is on the minus strand). VCF-style: chr11-17387314-C-T. GRCh37 (hg19) VCF-style: chr11-17408861-C-T.
Other names: c.517G>A, p.Val173Ile (NM_001166290.2, NM_001377296.1, NM_001377297.1); short protein forms V173I, V260I.
Identifiers: ClinVar variation 2051036 (VCV002051036.4), dbSNP rs992548655, ClinGen allele CA218399602.
Genomic context (GRCh38, chr11:17,387,314, plus strand): 5'-CCTGGTGGTGGTGCAGGTCGCTGGGTGCCAGGTCGTAGAGTGGGCTGTTGGCATCAATGA[C>T]ATGGTAGATGATCAGCGGGGCCACCAGGAAGATGCTGTTGCCACCCACGCCGTTCTCCAT-3'
Protein context (NP_000516.3, residues 250-270): FLVAPLIIYH[Val260Ile]IDANSPLYDL

ClinVar aggregate classification (germline): Uncertain significance (1 of 4 stars; one submission).

Allele frequency attached by ClinVar (database versions not stated): TOPMed below 0.00001.

Submission:

Labcorp Genetics (formerly Invitae), Labcorp
Classification: Uncertain significance. Last evaluated: 2021-12-21. Review status: criteria provided, single submitter. Criteria: Invitae Variant Classification Sherloc (09022015). Collection method: clinical testing. Allele origin: germline.
Comment: This sequence change replaces valine, which is neutral and non-polar, with isoleucine, which is neutral and non-polar, at codon 260 of the KCNJ11 protein (p.Val260Ile). This variant is not present in population databases (gnomAD no frequency). This variant has not been reported in the literature in individuals affected with KCNJ11-related conditions. Algorithms developed to predict the effect of missense changes on protein structure and function output the following: SIFT: "Tolerated"; PolyPhen-2: "Benign"; Align-GVGD: "Class C0". The isoleucine amino acid residue is found in multiple mammalian species, which suggests that this missense change does not adversely affect protein function. In summary, the available evidence is currently insufficient to determine the role of this variant in disease. Therefore, it has been classified as a Variant of Uncertain Significance.